The following is an entry in ClinVar:

ClinVar aggregate classification (germline): Uncertain significance. Review status: criteria provided, single submitter (1 of 4 stars). 2 submissions from 2 submitters: Uncertain significance (1). 1 of the submissions does not count toward it. Last evaluated 2025-10-23.

Conditions:
Ataxia-telangiectasia syndrome (AT). Also called: ATAXIA-TELANGIECTASIA, COMPLEMENTATION GROUP A; ATAXIA-TELANGIECTASIA, FRESNO VARIANT; Ataxia-telangiectasia; Ataxia-telangiectasia, complementation group D; AT, COMPLEMENTATION GROUP C; Ataxia-telangiectasia, complementation group E. Identifiers: Orphanet 100, MedGen C0004135, MONDO:0008840, OMIM 208900.

Submissions (2):

Labcorp Genetics (formerly Invitae), Labcorp
Classification: Uncertain significance for Ataxia-telangiectasia syndrome. Last evaluated: 2025-10-23. Review status: criteria provided, single submitter. Criteria: Invitae Variant Classification Sherloc (09022015). Collection method: clinical testing. Allele origin: germline.
Comment: This sequence change replaces proline, which is neutral and non-polar, with histidine, which is basic and polar, at codon 260 of the ATM protein (p.Pro260His). This variant is not present in population databases (gnomAD no frequency). This variant has not been reported in the literature in individuals affected with ATM-related conditions. ClinVar contains an entry for this variant (Variation ID: 524309). Invitae Evidence Modeling of protein sequence and biophysical properties (such as structural, functional, and spatial information, amino acid conservation, physicochemical variation, residue mobility, and thermodynamic stability) indicates that this missense variant is not expected to disrupt ATM protein function with a negative predictive value of 95%. In summary, the available evidence is currently insufficient to determine the role of this variant in disease. Therefore, it has been classified as a Variant of Uncertain Significance.

Natera, Inc.
Classification: Uncertain significance for Ataxia-telangiectasia. Last evaluated: 2020-07-16. Review status: no assertion criteria provided. Collection method: clinical testing. Allele origin: germline. Not counted in ClinVar's aggregate classification.

NM_000051.4(ATM):c.779C>A (p.Pro260His)

Gene: ATM (ATM serine/threonine kinase; plus strand). Cytogenetic location: 11q22.3.
Variant type: single nucleotide variant.
Coding change: c.779C>A on transcript NM_000051.4 (MANE Select); coding-DNA position 779, C replaced by A.
Protein change: p.Pro260His; replaces proline 260 with histidine.
Molecular consequence: missense variant.
Genome position (GRCh38, 1-based): chr11:108,244,904, C>A. VCF-style: chr11-108244904-C-A. GRCh37 (hg19) VCF-style: chr11-108115631-C-A.
Other names: c.779C>A, p.Pro260His (NM_001351834.2); short protein forms P260H.
Identifiers: ClinVar variation 524309 (VCV000524309.11), dbSNP rs961262202, ClinGen allele CA382529330.